The following is an entry in ClinVar:

NM_000548.5(TSC2):c.2413G>A (p.Val805Ile)

Gene: TSC2 (TSC complex subunit 2; plus strand). Cytogenetic location: 16p13.3.
Variant type: single nucleotide variant.
Coding change: c.2413G>A on transcript NM_000548.5 (MANE Select); coding-DNA position 2413, G replaced by A.
Protein change: p.Val805Ile; replaces valine 805 with isoleucine.
Molecular consequence: missense variant.
Genome position (GRCh38, 1-based): chr16:2,074,257, G>A. VCF-style: chr16-2074257-G-A. GRCh37 (hg19) VCF-style: chr16-2124258-G-A.
Other names: c.2413G>A, p.Val805Ile (NM_001077183.3, NM_001114382.3, NM_001363528.2 and 3 more transcripts); c.2302G>A, p.Val768Ile (NM_001318827.2); c.2266G>A, p.Val756Ile (NM_001318829.2); c.1813G>A, p.Val605Ile (NM_001318831.2); c.2446G>A, p.Val816Ile (NM_001318832.2); short protein forms V805I, V605I, V756I, V768I, V816I.
Identifiers: ClinVar variation 570600 (VCV000570600.15), dbSNP rs768683470, ClinGen allele CA038994.
Genomic context (GRCh38, chr16:2,074,257, plus strand): 5'-CAGCGCGAGATGGTCTACTGCCTGGAGCAGGGCCTCATCCACCGCTGTGCCAGCCAGTGC[G>A]TCGTGGCCTTGTCCATCTGCAGCGTGGAGATGCCTGACATCATCATCAAGGCGCTGCCTG-3'
Protein context (NP_000539.2, residues 795-815): GLIHRCASQC[Val805Ile]VALSICSVEM

ClinVar aggregate classification (germline): Conflicting classifications of pathogenicity. Review status: criteria provided, conflicting classifications (1 of 4 stars). 3 submissions from 3 submitters: Uncertain significance (2); Benign (1). Last evaluated 2026-06-01.

Conditions:
Tuberous sclerosis 2 (TSC2). Identifiers: Orphanet 805, MedGen C1860707, MONDO:0013199, OMIM 613254.
Hereditary cancer-predisposing syndrome. Also called: Tumor predisposition; Hereditary Cancer Syndrome; Hereditary neoplastic syndrome; Neoplastic Syndromes, Hereditary. Identifiers: Orphanet 140162, MedGen C0027672, MeSH D009386, MONDO:0015356.

Allele frequency attached by ClinVar (database versions not stated): gnomAD exomes below 0.00001 and 0.00001; ExAC 0.00001.
gnomAD v4.1: 5 of 1,612,880 alleles (0.00031%); highest among the groups gnomAD compares: Non-Finnish European, 0.00025%; no homozygotes.

Submissions (3):

CeGaT Center for Human Genetics Tuebingen
Classification: Uncertain significance. Last evaluated: 2026-06-01. Review status: criteria provided, single submitter. Criteria: CeGaT Center For Human Genetics Tuebingen Variant Classification Criteria Version 2. Collection method: clinical testing. Allele origin: germline. Affected: yes. Observed: 2 variant alleles.
Comment: TSC2: PM1, PM2:Supporting, PP4, BS2

Ambry Genetics
Classification: Uncertain significance for Hereditary cancer-predisposing syndrome. Last evaluated: 2025-03-18. Review status: criteria provided, single submitter. Criteria: Ambry Variant Classification Scheme 2023. Collection method: clinical testing. Allele origin: germline.
Comment: The p.V805I variant (also known as c.2413G>A), located in coding exon 21 of the TSC2 gene, results from a G to A substitution at nucleotide position 2413. The valine at codon 805 is replaced by isoleucine, an amino acid with highly similar properties. This amino acid position is highly conserved in available vertebrate species. In addition, the in silico prediction for this alteration is inconclusive. Based on the available evidence, the clinical significance of this variant remains unclear.

Labcorp Genetics (formerly Invitae), Labcorp
Classification: Benign for Tuberous sclerosis 2. Last evaluated: 2023-08-25. Review status: criteria provided, single submitter. Criteria: Invitae Variant Classification Sherloc (09022015). Collection method: clinical testing. Allele origin: germline.